The following is an entry in ClinVar:

NM_002206.3(ITGA7):c.1589C>A (p.Ala530Glu)

Gene: ITGA7 (integrin subunit alpha 7; minus strand). Cytogenetic location: 12q13.2.
Variant type: single nucleotide variant.
Coding change: c.1589C>A on transcript NM_002206.3 (MANE Select); coding-DNA position 1589, C replaced by A.
Protein change: p.Ala530Glu; replaces alanine 530 with glutamic acid.
Molecular consequence: missense variant.
Genome position (GRCh38, 1-based): chr12:55,697,047, G>T on the plus strand (C>A on the coding strand, the complement: ITGA7 is on the minus strand). VCF-style: chr12-55697047-G-T. GRCh37 (hg19) VCF-style: chr12-56090831-G-T.
Other names: c.1502C>A, p.Ala501Glu (NM_001414031.1); c.1601C>A, p.Ala534Glu (NM_001144996.2); c.1310C>A, p.Ala437Glu (NM_001144997.2); c.1262C>A, p.Ala421Glu (NM_001367993.1); c.245C>A, p.Ala82Glu (NM_001367994.1); c.1571C>A, p.Ala524Glu (NM_001374465.1); c.1721C>A, p.Ala574Glu (NM_001410977.1); c.1583C>A, p.Ala528Glu (NM_001414029.1); and 5 more; short protein forms A530E, A437E, A534E, A82E, A421E, A524E, A574E, A501E.
Identifiers: ClinVar variation 574453 (VCV000574453.9), dbSNP rs200267194, ClinGen allele CA237571794.

ClinVar aggregate classification (germline): Uncertain significance. Review status: criteria provided, multiple submitters, no conflicts (2 of 4 stars). 2 submissions from 2 submitters: Uncertain significance (2). Last evaluated 2021-12-02.

Conditions:
Congenital muscular dystrophy due to integrin alpha-7 deficiency. Also called: Congenital muscular dystrophy with integrin alpha-7 deficiency; Muscular dystrophy, congenital, due to ITGA7 deficiency; MYOPATHY, CONGENITAL, DUE TO INTEGRIN ALPHA-7 DEFICIENCY. Identifiers: Orphanet 34520, MedGen C2750786, MONDO:0013177, OMIM 613204.

Submissions (2):

Ambry Genetics
Classification: Uncertain significance. Last evaluated: 2021-12-02. Review status: criteria provided, single submitter. Criteria: Ambry Variant Classification Scheme 2023. Collection method: clinical testing. Allele origin: germline.

Labcorp Genetics (formerly Invitae), Labcorp
Classification: Uncertain significance for Congenital muscular dystrophy due to integrin alpha-7 deficiency. Last evaluated: 2021-06-30. Review status: criteria provided, single submitter. Criteria: Invitae Variant Classification Sherloc (09022015). Collection method: clinical testing. Allele origin: germline.
Comment: This variant is not present in population databases (ExAC no frequency). This variant has not been reported in the literature in individuals with ITGA7-related disease. Algorithms developed to predict the effect of missense changes on protein structure and function do not agree on the potential impact of this missense change (SIFT: "Deleterious"; PolyPhen-2: "Probably Damaging"; Align-GVGD: "Class C0"). In summary, the available evidence is currently insufficient to determine the role of this variant in disease. Therefore, it has been classified as a Variant of Uncertain Significance. This sequence change replaces alanine with glutamic acid at codon 530 of the ITGA7 protein (p.Ala530Glu). The alanine residue is weakly conserved and there is a moderate physicochemical difference between alanine and glutamic acid.